The following is an entry in ClinVar:

NM_014946.4(SPAST):c.*1604G>A

Gene: SPAST (spastin; plus strand). Cytogenetic location: 2p22.3.
Variant type: single nucleotide variant.
Coding change: c.*1604G>A on transcript NM_014946.4 (MANE Select); 1604 bases downstream of the stop codon, G replaced by A.
Molecular consequence: 3 prime UTR variant.
Genome position (GRCh38, 1-based): chr2:32,156,100, G>A. VCF-style: chr2-32156100-G-A. GRCh37 (hg19) VCF-style: chr2-32381169-G-A.
Other names: c.*1604G>A (NM_001363823.2, NM_001363875.2, NM_199436.2); c.*1728G>A (NM_001377959.1).
Identifiers: ClinVar variation 335866 (VCV000335866.5), dbSNP rs192438402, ClinGen allele CA10613243.

ClinVar aggregate classification (germline): Benign (1 of 4 stars; one submission).

Conditions:
Hereditary spastic paraplegia 4. Also called: Spastic paraplegia 4, autosomal dominant; Spastic Paraplegia 4; Familial spastic paraplegia autosomal dominant 2. Identifiers: Orphanet 100985, MedGen C1866855, MONDO:0008438, OMIM 182601.

Allele frequency attached by ClinVar (database versions not stated): gnomAD 0.00694 and 0.00742; 1000 Genomes Project 0.00759; TOPMed 0.00796; 1000 Genomes Project 30x 0.00843.

Submission:

Illumina Laboratory Services, Illumina
Classification: Benign for Hereditary spastic paraplegia 4. Last evaluated: 2018-01-12. Review status: criteria provided, single submitter. Criteria: ICSL Variant Classification Criteria 13 December 2019. Collection method: clinical testing. Allele origin: germline.
Comment: This variant was observed in the ICSL laboratory as part of a predisposition screen in an ostensibly healthy population. It had not been previously curated by ICSL or reported in the Human Gene Mutation Database (HGMD: prior to June 1st, 2018), and was therefore a candidate for classification through an automated scoring system. Utilizing variant allele frequency, disease prevalence and penetrance estimates, and inheritance mode, an automated score was calculated to assess if this variant is too frequent to cause the disease. Based on the score and internal cut-off values, a variant classified as benign is not then subjected to further curation. The score for this variant resulted in a classification of benign for this disease.